The following is an entry in ClinVar:

ClinVar aggregate classification (germline): Likely benign (1 of 4 stars; one submission).

Submission:

CeGaT Center for Human Genetics Tuebingen
Classification: Likely benign. Last evaluated: 2026-04-01. Review status: criteria provided, single submitter. Criteria: CeGaT Center For Human Genetics Tuebingen Variant Classification Criteria Version 2. Collection method: clinical testing. Allele origin: germline. Affected: yes. Observed: 1 variant allele.
Comment: FAM187A: PM2:Supporting, BP4, BP7

NM_001258400.2(FAM187A):c.1077G>C (p.Val359=)

Genes: DNAAF19 (dynein axonemal assembly factor 19; plus strand), FAM187A (family with sequence similarity 187 member A; plus strand), GFAP (glial fibrillary acidic protein; minus strand). Cytogenetic location: 17q21.31.
Variant type: single nucleotide variant.
Coding change: c.1077G>C on transcript NM_001258400.2 (MANE Select); coding-DNA position 1077, G replaced by C.
Protein change: p.Val359=; no amino-acid change (valine 359 retained).
Molecular consequence: synonymous variant. On other transcripts: 3 prime UTR variant (7).
Genome position (GRCh38, 1-based): chr17:44,904,906, G>C. VCF-style: chr17-44904906-G-C. GRCh37 (hg19) VCF-style: chr17-42982274-G-C.
Other names: c.*2441C>G (NM_002055.5); c.*2089G>C (NM_001258395.2, NM_001258396.2, NM_213607.3); c.*2568G>C (NM_001258397.3); c.*2507G>C (NM_001258398.3, NM_001258399.2).
Identifiers: ClinVar variation 4873976 (VCV004873976.2).